The following is an entry in ClinVar:

ClinVar aggregate classification (germline): Uncertain significance (1 of 4 stars; one submission).

Conditions:
Inborn genetic diseases. Identifiers: MedGen C0950123, MeSH D030342.

Submission:

Ambry Genetics
Classification: Uncertain significance for Inborn genetic diseases. Last evaluated: 2025-07-17. Review status: criteria provided, single submitter. Criteria: Ambry Variant Classification Scheme 2023. Collection method: clinical testing. Allele origin: germline.
Comment: The p.L244P variant (also known as c.731T>C), located in coding exon 7 of the USB1 gene, results from a T to C substitution at nucleotide position 731. The leucine at codon 244 is replaced by proline, an amino acid with similar properties. This amino acid position is conserved. In addition, this alteration is predicted to be deleterious by in silico analysis. Based on the available evidence, the clinical significance of this variant remains unclear.

NM_024598.4(USB1):c.731T>C (p.Leu244Pro)

Gene: USB1 (U6 snRNA biogenesis phosphodiesterase 1; plus strand). Cytogenetic location: 16q21.
Variant type: single nucleotide variant.
Coding change: c.731T>C on transcript NM_024598.4 (MANE Select); coding-DNA position 731, T replaced by C.
Protein change: p.Leu244Pro; replaces leucine 244 with proline.
Molecular consequence: missense variant.
Genome position (GRCh38, 1-based): chr16:58,020,178, T>C. VCF-style: chr16-58020178-T-C. GRCh37 (hg19) VCF-style: chr16-58054082-T-C.
Other names: c.578T>C, p.Leu193Pro (NM_001330568.2); c.677T>C, p.Leu226Pro (NM_001195302.2); short protein forms L244P, L193P, L226P.
Identifiers: ClinVar variation 4196800 (VCV004196800.1).